The following is an entry in ClinVar:

NM_000384.3(APOB):c.2960_2961del (p.Thr987fs)

Gene: APOB (apolipoprotein B; minus strand). Cytogenetic location: 2p24.1.
Variant type: Microsatellite.
Coding change: c.2960_2961del on transcript NM_000384.3 (MANE Select); coding-DNA positions 2960 to 2961, 2 bases deleted (CA; older notation c.2960_2961delCA).
Protein change: p.Thr987fs; shifts the reading frame from threonine 987.
Molecular consequence: frameshift variant.
Genome position (GRCh38, 1-based): chr2:21,019,761-21,019,762, TG deleted on the plus strand (CA on the coding strand, the reverse complement: APOB is on the minus strand); deleting any 2 consecutive bases within chr2:21,019,761-21,019,764 gives the same sequence; the c. name uses the placement nearest the transcript's 3' end. VCF-style (leftmost placement, unchanged base first): chr2-21019760-CTG-C. GRCh37 (hg19) VCF-style: chr2-21242632-CTG-C.
Other names: short protein forms T987fs.
Identifiers: ClinVar variation 2951661 (VCV002951661.3), dbSNP rs1663556957, ClinGen allele CA2493481064.

ClinVar aggregate classification (germline): Pathogenic (1 of 4 stars; one submission).

Conditions:
Hypercholesterolemia, autosomal dominant, type B (FHCL2). Also called: APOB-Related Familial Hypercholesterolemia, Autosomal Dominant; Familial Hypercholesterolemia Type B; APOLIPOPROTEIN B-100, FAMILIAL DEFECTIVE; APOLIPOPROTEIN B-100, FAMILIAL LIGAND-DEFECTIVE; HYPERCHOLESTEROLEMIA, FAMILIAL, DUE TO LIGAND-DEFECTIVE APOLIPOPROTEIN B; Hyperlipoproteinemia Type IIb. Identifiers: MedGen C1704417, MONDO:0007751, OMIM 144010.
Familial hypobetalipoproteinemia 1. Also called: Hypobetalipoproteinemia, normotriglyceridemic; Acanthocytosis with hypobetalipoproteinemia; APOB-Related Familial Hypobetalipoproteinemia. Identifiers: MedGen C4551990, MONDO:0014252, OMIM 615558.

Submission:

Labcorp Genetics (formerly Invitae), Labcorp
Classification: Pathogenic for Familial hypobetalipoproteinemia 1; Hypercholesterolemia, autosomal dominant, type B. Last evaluated: 2023-09-06. Review status: criteria provided, single submitter. Criteria: Invitae Variant Classification Sherloc (09022015). Collection method: clinical testing. Allele origin: germline.
Comment: For these reasons, this variant has been classified as Pathogenic. This variant has not been reported in the literature in individuals affected with APOB-related conditions. This variant is not present in population databases (gnomAD no frequency). This sequence change creates a premature translational stop signal (p.Thr987Argfs*25) in the APOB gene. It is expected to result in an absent or disrupted protein product. Loss-of-function variants in APOB are known to be pathogenic (PMID: 20032471).

Literature cited by the submitters: PubMed 20032471.